The following is an entry in ClinVar:

NM_018897.3(DNAH7):c.2942T>C (p.Leu981Pro)

Gene: DNAH7 (dynein axonemal heavy chain 7; minus strand). Cytogenetic location: 2q32.3.
Variant type: single nucleotide variant.
Coding change: c.2942T>C on transcript NM_018897.3 (MANE Select); coding-DNA position 2942, T replaced by C.
Protein change: p.Leu981Pro; replaces leucine 981 with proline.
Molecular consequence: missense variant.
Genome position (GRCh38, 1-based): chr2:195,957,397, A>G on the plus strand (T>C on the coding strand, the complement: DNAH7 is on the minus strand). VCF-style: chr2-195957397-A-G. GRCh37 (hg19) VCF-style: chr2-196822121-A-G.
Other names: short protein forms L981P.
Identifiers: ClinVar variation 5006185 (VCV005006185.2).

ClinVar aggregate classification (germline): Uncertain significance (1 of 4 stars; one submission).

Conditions:
Ciliary dyskinesia, primary, 50 (CILD50). Identifiers: MedGen C5830473, MONDO:0957252, OMIM 620356.

gnomAD v4.1: 43 of 1,598,762 alleles (0.0027%); highest among the groups gnomAD compares: East Asian, 0.025%; 1 homozygote.

Submission:

Juno Genomics, Hangzhou Juno Genomics, Inc
Classification: Uncertain significance for Ciliary dyskinesia, primary, 50. Review status: criteria provided, single submitter. Criteria: ACMG Guidelines, 2015. Collection method: clinical testing. Allele origin: germline.
Comment: Absent from controls (or at extremely low frequency if recessive) in Genome Aggregation Database.;Multiple lines of computational evidence support a deleterious effect on the gene or gene product.